The following is an entry in ClinVar:

ClinVar aggregate classification (germline): Uncertain significance (1 of 4 stars; one submission).

Conditions:
Immunodeficiency 39 (IMD39). Identifiers: Orphanet 574918, MedGen C4225358, MONDO:0014597, OMIM 616345.

Submission:

Labcorp Genetics (formerly Invitae), Labcorp
Classification: Uncertain significance for Immunodeficiency 39. Last evaluated: 2025-11-24. Review status: criteria provided, single submitter. Criteria: Invitae Variant Classification Sherloc (09022015). Collection method: clinical testing. Allele origin: germline.
Comment: This variant, c.116_118del, results in the deletion of 1 amino acid(s) of the IRF7 protein (p.Cys39del), but otherwise preserves the integrity of the reading frame. This variant is present in population databases (no rsID available, gnomAD 0.1%). This variant has not been reported in the literature in individuals affected with IRF7-related conditions. Experimental studies and prediction algorithms are not available or were not evaluated, and the functional significance of this variant is currently unknown. In summary, the available evidence is currently insufficient to determine the role of this variant in disease. Therefore, it has been classified as a Variant of Uncertain Significance.

NM_001572.5(IRF7):c.74GCT[1] (p.Cys26del)

Gene: IRF7 (interferon regulatory factor 7; minus strand). Cytogenetic location: 11p15.5.
Variant type: Microsatellite.
Coding change: c.74GCT[1] on transcript NM_001572.5 (MANE Select); one copy of the 3-base unit GCT starting at c.74; the reference has two copies in a row; one copy, 3 bases deleted.
Protein change: p.Cys26del; deletes cysteine 26.
Molecular consequence: inframe deletion.
Genome position (GRCh38, 1-based): chr11:615,201-615,203, AGC deleted on the plus strand (GCT on the coding strand, the reverse complement: IRF7 is on the minus strand); deleting any 3 consecutive bases within chr11:615,201-615,206 gives the same sequence; the position shown is the placement nearest the transcript's 3' end. VCF-style (leftmost placement, unchanged base first): chr11-615200-TAGC-T. GRCh37 (hg19) VCF-style: chr11-615200-TAGC-T.
Other names: c.74GCT[1], p.Cys26del (NM_004029.4); c.113GCT[1], p.Cys39del (NM_004031.4); short protein forms C39del, C26del.
Identifiers: ClinVar variation 1966241 (VCV001966241.5), dbSNP rs1475295564, ClinGen allele CA597020984.